The following is an entry in ClinVar:

ClinVar aggregate classification (germline): Likely pathogenic. Review status: criteria provided, single submitter (1 of 4 stars). 3 submissions from 3 submitters: Likely pathogenic (1). 2 of the submissions do not count toward it. Last evaluated 2021-07-08.

Conditions:
Autosomal recessive spastic paraplegia type 78. Identifiers: Orphanet 513436, MedGen C5567893, MONDO:0014975, OMIM 617225.
Kufor-Rakeb syndrome (KRS). Also called: PARKINSON DISEASE 9, AUTOSOMAL RECESSIVE, JUVENILE-ONSET. Identifiers: Orphanet 306674, Orphanet 314632, MedGen C1847640, MONDO:0011706, OMIM 606693.

Allele frequency attached by ClinVar (database versions not stated): gnomAD exomes below 0.00001; TOPMed below 0.00001.
gnomAD v4.1: 1 of 1,578,410 alleles (0.000063%); highest among the groups gnomAD compares: Non-Finnish European, 0.000086%; no homozygotes.

Submissions (3):

Fulgent Genetics
Classification: Likely pathogenic for Kufor-Rakeb syndrome; Autosomal recessive spastic paraplegia type 78. Last evaluated: 2021-07-08. Review status: criteria provided, single submitter. Criteria: ACMG Guidelines, 2015. Collection method: clinical testing. Allele origin: unknown.

Solve-RD Consortium
Classification: Likely pathogenic for Kufor-Rakeb syndrome. Last evaluated: 2022-06-01. Review status: no assertion criteria provided. Collection method: provider interpretation. Allele origin: inherited. Affected: yes. Not counted in ClinVar's aggregate classification.
Comment: Variant confirmed as disease-causing by referring clinical team

Variant identified during reanalysis of unsolved cases by the Solve-RD project. The Solve-RD project has received funding from the European Union’s Horizon 2020 research and innovation programme under grant agreement No 779257.

OMIM
Classification: Pathogenic for SPASTIC PARAPLEGIA 78, AUTOSOMAL RECESSIVE. Last evaluated: 2017-02-01. Review status: no assertion criteria provided. Collection method: literature only. Allele origin: germline. Not counted in ClinVar's aggregate classification.

Literature cited by the submitters: PubMed 39825153 (cited by Solve-RD Consortium); PubMed 28137957 (cited by OMIM).

NM_022089.4(ATP13A2):c.3418C>T (p.Gln1140Ter)

Gene: ATP13A2 (ATPase cation transporting 13A2; minus strand). Cytogenetic location: 1p36.13.
Variant type: single nucleotide variant.
Coding change: c.3418C>T on transcript NM_022089.4 (MANE Select); coding-DNA position 3418, C replaced by T.
Protein change: p.Gln1140Ter; replaces glutamine 1140 with a stop codon.
Molecular consequence: nonsense. On other transcripts: missense variant (1).
Genome position (GRCh38, 1-based): chr1:16,986,346, G>A on the plus strand (C>T on the coding strand, the complement: ATP13A2 is on the minus strand). VCF-style: chr1-16986346-G-A. GRCh37 (hg19) VCF-style: chr1-17312841-G-A.
Other names: c.3403C>T, p.Gln1135Ter (NM_001141973.3); c.3116C>T, p.Pro1039Leu (NM_001141974.3); short protein forms Q1135*, P1039L, Q1140*.
Identifiers: ClinVar variation 374886 (VCV000374886.4), dbSNP rs1057519289, ClinGen allele CA16043957.